The following is an entry in ClinVar:

ClinVar aggregate classification (germline): Pathogenic (1 of 4 stars; one submission).

Conditions:
Breast-ovarian cancer, familial, susceptibility to, 1 (BROVCA1). Also called: BRCA1 Hereditary Breast and Ovarian Cancer; OVARIAN CANCER, SUSCEPTIBILITY TO. Identifiers: Orphanet 145, MedGen C2676676, MONDO:0011450, OMIM 604370. Disease mechanism: loss of function.

Submission:

Myriad Genetics, Inc.
Classification: Pathogenic for Breast-ovarian cancer, familial, susceptibility to, 1. Last evaluated: 2025-09-24. Review status: criteria provided, single submitter. Criteria: Myriad Autosomal Dominant, Autosomal Recessive and X-Linked Classification Criteria (2023). Collection method: clinical testing. Allele origin: unknown.
Comment: This variant is considered pathogenic. This variant creates a frameshift predicted to result in premature protein truncation.

NM_007294.4(BRCA1):c.3109_3439del (p.Lys1037fs)

Genes: BRCA1 (BRCA1 DNA repair associated; minus strand), LOC126862571 (BRD4-independent group 4 enhancer GRCh37_chr17:41243136-41244335; plus strand). Cytogenetic location: 17q21.31.
Variant type: Deletion.
Coding change: c.3109_3439del on transcript NM_007294.4 (MANE Select); coding-DNA positions 3109 to 3439, 331 bases deleted.
Protein change: p.Lys1037fs; shifts the reading frame from lysine 1037.
Molecular consequence: frameshift variant. On other transcripts: intron variant (135), splice acceptor variant (2).
Genome position (GRCh38, 1-based): chr17:43,092,092-43,092,422, 331 bases deleted. GRCh37 (hg19): chr17:41,244,111-41,244,441.
Other names: c.2965_3295del, p.Lys989fs (NM_001407848.1, NM_001407849.1, NM_001407943.1 and 20 more transcripts); c.2968_3298del, p.Lys990fs (NM_001407850.1, NM_001407851.1, NM_001407852.1 and 29 more transcripts); c.2896_3226del, p.Lys966fs (NM_001407853.1, NM_001407571.1, NM_001407894.1 and 9 more transcripts); c.3109_3439del, p.Lys1037fs (NM_001407854.1, NM_001407581.1, NM_001407582.1 and 30 more transcripts); c.2986_3316del, p.Lys996fs (NM_001407666.1, NM_001407667.1, NM_001407668.1 and 19 more transcripts); c.3106_3436del, p.Lys1036fs (NM_001407587.1, NM_001407590.1, NM_001407591.1 and 22 more transcripts); c.662-1390_662-1060del (NM_001408434.1, NM_001408447.1, NM_001408433.1 and 6 more transcripts); c.785-1390_785-1060del (NM_001408398.1, NM_001407992.1, NM_001408397.1 and 13 more transcripts); and 41 more; short protein forms K1010fs, K1011fs, K1034fs, K1036fs, K1037fs, K741fs, K869fs, K909fs.
Identifiers: ClinVar variation 4294281 (VCV004294281.1).